The following is an entry in ClinVar:

ClinVar aggregate classification (germline): Uncertain significance (1 of 4 stars; one submission).

Conditions:
Hereditary cancer-predisposing syndrome. Also called: Neoplastic Syndromes, Hereditary; Tumor predisposition; Hereditary Cancer Syndrome; Hereditary neoplastic syndrome. Identifiers: Orphanet 140162, MedGen C0027672, MeSH D009386, MONDO:0015356.

Submission:

Ambry Genetics
Classification: Uncertain significance for Hereditary cancer-predisposing syndrome. Last evaluated: 2019-12-10. Review status: criteria provided, single submitter. Criteria: Ambry Variant Classification Scheme 2023. Collection method: clinical testing. Allele origin: germline.
Comment: The p.V717G variant (also known as c.2150T>G), located in coding exon 4 of the MSH6 gene, results from a T to G substitution at nucleotide position 2150. The valine at codon 717 is replaced by glycine, an amino acid with dissimilar properties. This amino acid position is not well conserved in available vertebrate species. In addition, this alteration is predicted to be tolerated by in silico analysis. Since supporting evidence is limited at this time, the clinical significance of this alteration remains unclear.

NM_000179.3(MSH6):c.2150T>G (p.Val717Gly)

Gene: MSH6 (mutS homolog 6; plus strand). Cytogenetic location: 2p16.3.
Variant type: single nucleotide variant.
Coding change: c.2150T>G on transcript NM_000179.3 (MANE Select); coding-DNA position 2150, T replaced by G.
Protein change: p.Val717Gly; replaces valine 717 with glycine.
Molecular consequence: missense variant.
Genome position (GRCh38, 1-based): chr2:47,800,133, T>G. VCF-style: chr2-47800133-T-G. GRCh37 (hg19) VCF-style: chr2-48027272-T-G.
Other names: c.1760T>G, p.Val587Gly (NM_001281492.2); c.1244T>G, p.Val415Gly (NM_001281493.2, NM_001281494.2, NM_001406811.1 and 6 more transcripts); c.2246T>G, p.Val749Gly (NM_001406795.1, NM_001406802.1); c.2150T>G, p.Val717Gly (NM_001406796.1, NM_001406798.1, NM_001406800.1 and 3 more transcripts); c.1853T>G, p.Val618Gly (NM_001406797.1, NM_001406801.1, NM_001406805.1 and 10 more transcripts); c.1625T>G, p.Val542Gly (NM_001406799.1, NM_001406806.1, NM_001406807.1); c.2072T>G, p.Val691Gly (NM_001406804.1); c.2156T>G, p.Val719Gly (NM_001406813.1); and 1 more; short protein forms V415G, V587G, V691G, V542G, V661G, V717G, V749G, V618G.
Identifiers: ClinVar variation 1786750 (VCV001786750.2), dbSNP rs2530653660, ClinGen allele CA346751111.